The following is an entry in ClinVar:

ClinVar aggregate classification (germline): Uncertain significance (1 of 4 stars; one submission).

gnomAD v4.1: 1 of 1,613,372 alleles (0.000062%); highest among the groups gnomAD compares: Non-Finnish European, 0.000085%; no homozygotes.

Submission:

GeneDx
Classification: Uncertain significance. Last evaluated: 2024-07-22. Review status: criteria provided, single submitter. Criteria: GeneDx Variant Classification Process June 2021. Collection method: clinical testing. Allele origin: germline. Affected: yes.
Comment: Not observed at significant frequency in large population cohorts (gnomAD); Located in a region that tolerates variation and lacks pathogenic variants; Has not been previously published as pathogenic or benign to our knowledge

NM_080916.3(DGUOK):c.-5G>T

Gene: DGUOK (deoxyguanosine kinase; plus strand). Cytogenetic location: 2p13.1.
Variant type: single nucleotide variant.
Coding change: c.-5G>T on transcript NM_080916.3 (MANE Select); 5 bases upstream of the start codon, G replaced by T.
Molecular consequence: 5 prime UTR variant. On other transcripts: non-coding transcript variant (6).
Genome position (GRCh38, 1-based): chr2:73,926,906, G>T. VCF-style: chr2-73926906-G-T. GRCh37 (hg19) VCF-style: chr2-74154033-G-T.
Other names: c.-5G>T (NM_001318859.2, NM_080918.3); c.-183G>T (NM_001318860.2, NM_001318863.2); c.-269G>T (NM_001318861.2, NM_001318862.2).
Identifiers: ClinVar variation 3600827 (VCV003600827.1).